The following is an entry in ClinVar:

NM_000702.4(ATP1A2):c.92A>G (p.Asp31Gly)

Gene: ATP1A2 (ATPase Na+/K+ transporting subunit alpha 2; plus strand). Cytogenetic location: 1q23.2.
Variant type: single nucleotide variant.
Coding change: c.92A>G on transcript NM_000702.4 (MANE Select); coding-DNA position 92, A replaced by G.
Protein change: p.Asp31Gly; replaces aspartic acid 31 with glycine.
Molecular consequence: missense variant.
Genome position (GRCh38, 1-based): chr1:160,120,985, A>G. VCF-style: chr1-160120985-A-G. GRCh37 (hg19) VCF-style: chr1-160090775-A-G.
Other names: p.Asp31Gly; short protein forms D31G.
Identifiers: ClinVar variation 4541773 (VCV004541773.1).

ClinVar aggregate classification (germline): Uncertain significance (1 of 4 stars; one submission).

Submission:

Mayo Clinic Laboratories, Mayo Clinic
Classification: Uncertain significance. Last evaluated: 2025-04-29. Review status: criteria provided, single submitter. Criteria: ACMG Guidelines, 2015. Collection method: clinical testing. Allele origin: germline. Observed: 1 variant allele.
Comment: PP2, PP3, PM2_supporting